The following is an entry in ClinVar:

NM_000548.5(TSC2):c.3995C>A (p.Ala1332Asp)

Gene: TSC2 (TSC complex subunit 2; plus strand). Cytogenetic location: 16p13.3.
Variant type: single nucleotide variant.
Coding change: c.3995C>A on transcript NM_000548.5 (MANE Select); coding-DNA position 3995, C replaced by A.
Protein change: p.Ala1332Asp; replaces alanine 1332 with aspartic acid.
Molecular consequence: missense variant. On other transcripts: non-coding transcript variant (5).
Genome position (GRCh38, 1-based): chr16:2,083,806, C>A. VCF-style: chr16-2083806-C-A. GRCh37 (hg19) VCF-style: chr16-2133807-C-A.
Other names: c.3794C>A, p.Ala1265Asp (NM_001077183.3); c.3197C>A, p.Ala1066Asp (NM_001406686.1, NM_001406685.1); c.3194C>A, p.Ala1065Asp (NM_001406687.1, NM_001406688.1); c.2582C>A, p.Ala861Asp (NM_001406689.1); c.2522C>A, p.Ala841Asp (NM_001406690.1); c.2519C>A, p.Ala840Asp (NM_001406691.1); c.2453C>A, p.Ala818Asp (NM_001406692.1, NM_001406693.1, NM_001406694.1); c.2450C>A, p.Ala817Asp (NM_001406695.1, NM_001406696.1, NM_001406697.1); and 26 more; short protein forms A1065D, A1066D, A1088D, A1108D, A1109D, A1112D, A1132D, A1216D.
Identifiers: ClinVar variation 4866142 (VCV004866142.1).

ClinVar aggregate classification (germline): Uncertain significance (1 of 4 stars; one submission).

Conditions:
Hereditary cancer-predisposing syndrome. Also called: Neoplastic Syndromes, Hereditary; Tumor predisposition; Hereditary Cancer Syndrome; Hereditary neoplastic syndrome. Identifiers: Orphanet 140162, MedGen C0027672, MeSH D009386, MONDO:0015356.

Submission:

Ambry Genetics
Classification: Uncertain significance for Hereditary cancer-predisposing syndrome. Last evaluated: 2026-06-12. Review status: criteria provided, single submitter. Criteria: Ambry Variant Classification Scheme 2023. Collection method: clinical testing. Allele origin: germline.
Comment: The p.A1332D variant (also known as c.3995C>A), located in coding exon 32 of the TSC2 gene, results from a C to A substitution at nucleotide position 3995. The alanine at codon 1332 is replaced by aspartic acid, an amino acid with dissimilar properties. This amino acid position is conserved. In addition, the in silico prediction for this alteration is inconclusive. Based on the available evidence, the clinical significance of this variant remains unclear.